The following is an entry in ClinVar:

NM_000228.3(LAMB3):c.2685_2701+2del

Gene: LAMB3 (laminin subunit beta 3; minus strand). Cytogenetic location: 1q32.2.
Variant type: Deletion.
Coding change: c.2685_2701+2del on transcript NM_000228.3 (MANE Select); coding-DNA position 2685 through the canonical splice donor site of the intron after coding-DNA position 2701, 19 bases deleted (CCGGGACTTCCTAACAGGT).
Molecular consequence: splice donor variant.
Genome position (GRCh38, 1-based): chr1:209,622,534-209,622,552, ACCTGTTAGGAAGTCCCGG deleted on the plus strand (CCGGGACTTCCTAACAGGT on the coding strand, the reverse complement: LAMB3 is on the minus strand); deleting any 19 consecutive bases within chr1:209,622,534-209,622,557 gives the same sequence; the c. name uses the placement nearest the transcript's 3' end. VCF-style (leftmost placement, unchanged base first): chr1-209622533-CACCTGTTAGGAAGTCCCGG-C. GRCh37 (hg19) VCF-style: chr1-209795878-CACCTGTTAGGAAGTCCCGG-C.
Other names: c.2685_2701+2del (NM_001127641.1, NM_001017402.2).
Identifiers: ClinVar variation 667377 (VCV000667377.10), dbSNP rs1571803654, ClinGen allele CA915941993.

ClinVar aggregate classification (germline): Likely pathogenic. Review status: criteria provided, multiple submitters, no conflicts (2 of 4 stars). 2 submissions from 2 submitters: Likely pathogenic (2). Last evaluated 2023-03-12.

Conditions:
Junctional epidermolysis bullosa. Identifiers: Orphanet 305, MedGen C0079301, MONDO:0017612.

Submissions (2):

Labcorp Genetics (formerly Invitae), Labcorp
Classification: Likely pathogenic. Last evaluated: 2023-03-12. Review status: criteria provided, single submitter. Criteria: Invitae Variant Classification Sherloc (09022015). Collection method: clinical testing. Allele origin: germline.
Comment: In summary, the currently available evidence indicates that the variant is pathogenic, but additional data are needed to prove that conclusively. Therefore, this variant has been classified as Likely Pathogenic. Algorithms developed to predict the effect of sequence changes on RNA splicing suggest that this variant may disrupt the consensus splice site. ClinVar contains an entry for this variant (Variation ID: 667377). This variant has not been reported in the literature in individuals affected with LAMB3-related conditions. This variant is not present in population databases (gnomAD no frequency). This variant results in the deletion of part of exon 18 (c.2685_2701+2del) of the LAMB3 gene. It is expected to disrupt RNA splicing. Variants that disrupt the donor or acceptor splice site typically lead to a loss of protein function (PMID: 16199547), and loss-of-function variants in LAMB3 are known to be pathogenic (PMID: 11023379, 16473856).

Laboratory for Molecular Medicine, Mass General Brigham Personalized Medicine
Classification: Likely pathogenic for Epidermolysis bullosa, junctional. Last evaluated: 2017-12-12. Review status: criteria provided, single submitter. Criteria: LMM Criteria. Collection method: clinical testing. Allele origin: germline. Inheritance: Autosomal recessive inheritance. Observed: 1 variant allele.
Comment: The c.2685_2701+2del variant in LAMB3 has not been previously reported in indivi duals with junctional epidermolysis bullosa and was absent from large population studies, though the ability of these studies to accurately detect indels may be limited. This deletion encompasses the invariant region (+/- 1,2) of the splice consensus sequence and is predicted to cause altered splicing leading to an abn ormal or absent protein. Biallelic loss of function of LAMB3 has been associate d with junctional epidermolysis bullosa. In summary, this variant meets criteria to be classified as likely pathogenic for junctional epidermolysis bullosa in an autosomal recessive manner based upon absence from controls and predicted imp act on protein. ACMG/AMP Criteria applied: PVS1, PM2.

Literature cited by the submitters: PubMed 16199547 (cited by Labcorp Genetics (formerly Invitae), Labcorp); PubMed 11023379 (cited by Labcorp Genetics (formerly Invitae), Labcorp); PubMed 16473856 (cited by Labcorp Genetics (formerly Invitae), Labcorp).